The following is an entry in ClinVar:

NM_006269.2(RP1):c.2521G>A (p.Glu841Lys)

Gene: RP1 (RP1 axonemal microtubule associated; plus strand). Cytogenetic location: 8q12.1.
Variant type: single nucleotide variant.
Coding change: c.2521G>A on transcript NM_006269.2 (MANE Select); coding-DNA position 2521, G replaced by A.
Protein change: p.Glu841Lys; replaces glutamic acid 841 with lysine.
Molecular consequence: missense variant. On other transcripts: intron variant (1).
Genome position (GRCh38, 1-based): chr8:54,626,403, G>A. VCF-style: chr8-54626403-G-A. GRCh37 (hg19) VCF-style: chr8-55538963-G-A.
Other names: c.787+4115G>A (NM_001375654.1); c.2521G>A (NM_006269.1); short protein forms E841K.
Identifiers: ClinVar variation 1005480 (VCV001005480.8), dbSNP rs1472013734, ClinGen allele CA370994028.

ClinVar aggregate classification (germline): Uncertain significance. Review status: criteria provided, multiple submitters, no conflicts (2 of 4 stars). 3 submissions from 3 submitters: Uncertain significance (3). Last evaluated 2025-02-21.

Conditions:
RP1-related disorder. Also called: RP1-related condition.

Allele frequency attached by ClinVar (database versions not stated): gnomAD exomes 0.00001; TOPMed 0.00001; gnomAD 0.00002.
gnomAD v4.1: 21 of 1,613,430 alleles (0.0013%); highest among the groups gnomAD compares: Non-Finnish European, 0.0017%; no homozygotes.

Submissions (3):

PreventionGenetics, part of Exact Sciences
Classification: Uncertain significance for RP1-related condition. Last evaluated: 2025-02-21. Review status: criteria provided, single submitter. Criteria: ACMG Guidelines, 2015. Collection method: clinical testing. Allele origin: germline.
Comment: The RP1 c.2521G>A variant is predicted to result in the amino acid substitution p.Glu841Lys. To our knowledge, this variant has not been reported in the literature. This variant is reported in 0.0041% of alleles in individuals of African descent in gnomAD. At this time, the clinical significance of this variant is uncertain due to the absence of conclusive functional and genetic evidence.

Blueprint Genetics
Classification: Uncertain significance. Last evaluated: 2022-02-15. Review status: criteria provided, single submitter. Criteria: ACMG Guidelines, 2015. Collection method: clinical testing. Allele origin: germline.

Labcorp Genetics (formerly Invitae), Labcorp
Classification: Uncertain significance. Last evaluated: 2021-11-03. Review status: criteria provided, single submitter. Criteria: Invitae Variant Classification Sherloc (09022015). Collection method: clinical testing. Allele origin: germline.
Comment: This sequence change replaces glutamic acid, which is acidic and polar, with lysine, which is basic and polar, at codon 841 of the RP1 protein (p.Glu841Lys). This variant is present in population databases (no rsID available, gnomAD 0.004%). This variant has not been reported in the literature in individuals affected with RP1-related conditions. ClinVar contains an entry for this variant (Variation ID: 1005480). Algorithms developed to predict the effect of missense changes on protein structure and function (SIFT, PolyPhen-2, Align-GVGD) all suggest that this variant is likely to be tolerated. In summary, the available evidence is currently insufficient to determine the role of this variant in disease. Therefore, it has been classified as a Variant of Uncertain Significance.